The following is an entry in ClinVar:

NM_016734.3(PAX5):c.584A>G (p.Asn195Ser)

Genes: PAX5 (paired box 5; minus strand), LOC105376032 (uncharacterized LOC105376032; plus strand). Cytogenetic location: 9p13.2.
Variant type: single nucleotide variant.
Coding change: c.584A>G on transcript NM_016734.3 (MANE Select); coding-DNA position 584, A replaced by G.
Protein change: p.Asn195Ser; replaces asparagine 195 with serine.
Molecular consequence: missense variant. On other transcripts: non-coding transcript variant (2), intron variant (2).
Genome position (GRCh38, 1-based): chr9:37,002,668, T>C on the plus strand (A>G on the coding strand, the complement: PAX5 is on the minus strand). VCF-style: chr9-37002668-T-C. GRCh37 (hg19) VCF-style: chr9-37002665-T-C.
Other names: c.475+3805A>G (NM_001280553.2, NM_001280554.2); c.584A>G, p.Asn195Ser (NM_001280547.2, NM_001280548.2, NM_001280549.2 and 2 more transcripts); c.260A>G, p.Asn87Ser (NM_001280551.2, NM_001280556.2); c.386A>G, p.Asn129Ser (NM_001280555.2); short protein forms N129S, N195S, N87S.
Identifiers: ClinVar variation 4843882 (VCV004843882.1).

ClinVar aggregate classification (germline): Uncertain significance (1 of 4 stars; one submission).

Conditions:
Inborn genetic diseases. Identifiers: MedGen C0950123, MeSH D030342.

Submission:

Ambry Genetics
Classification: Uncertain significance for Inborn genetic diseases. Last evaluated: 2025-12-24. Review status: criteria provided, single submitter. Criteria: Ambry Variant Classification Scheme 2023. Collection method: clinical testing. Allele origin: germline.
Comment: The p.N195S variant (also known as c.584A>G), located in coding exon 5 of the PAX5 gene, results from an A to G substitution at nucleotide position 584. The asparagine at codon 195 is replaced by serine, an amino acid with highly similar properties. This amino acid position is conserved. In addition, the in silico prediction for this alteration is inconclusive. Based on the available evidence, the clinical significance of this variant remains unclear.